The following is an entry in ClinVar:

NM_014712.3(SETD1A):c.2945A>G (p.Glu982Gly)

Gene: SETD1A (SET domain containing 1A, histone lysine methyltransferase; plus strand). Cytogenetic location: 16p11.2.
Variant type: single nucleotide variant.
Coding change: c.2945A>G on transcript NM_014712.3 (MANE Select); coding-DNA position 2945, A replaced by G.
Protein change: p.Glu982Gly; replaces glutamic acid 982 with glycine.
Molecular consequence: missense variant.
Genome position (GRCh38, 1-based): chr16:30,969,618, A>G. VCF-style: chr16-30969618-A-G. GRCh37 (hg19) VCF-style: chr16-30980939-A-G.
Other names: short protein forms E982G.
Identifiers: ClinVar variation 5007968 (VCV005007968.1).

ClinVar aggregate classification (germline): Uncertain significance (1 of 4 stars; one submission).

Submission:

GeneDx
Classification: Uncertain significance. Last evaluated: 2026-02-26. Review status: criteria provided, single submitter. Criteria: GeneDx Variant Classification Process June 2021. Collection method: clinical testing. Allele origin: germline.
Comment: Not observed at significant frequency in large population cohorts (gnomAD); In silico analysis supports that this missense variant has a deleterious effect on protein structure/function; Has not been previously published as pathogenic or benign to our knowledge